The following is an entry in ClinVar:

ClinVar aggregate classification (germline): Uncertain significance (1 of 4 stars; one submission).

Conditions:
Inborn genetic diseases. Identifiers: MedGen C0950123, MeSH D030342.

Submission:

Ambry Genetics
Classification: Uncertain significance for Inborn genetic diseases. Last evaluated: 2026-02-18. Review status: criteria provided, single submitter. Criteria: Ambry Variant Classification Scheme 2023. Collection method: clinical testing. Allele origin: germline.
Comment: The p.T248N variant (also known as c.743C>A), located in coding exon 2 of the GATA2 gene, results from a C to A substitution at nucleotide position 743. The threonine at codon 248 is replaced by asparagine, an amino acid with similar properties. This amino acid position is highly conserved in available vertebrate species. In addition, the in silico prediction for this alteration is inconclusive. Based on the available evidence, the clinical significance of this variant remains unclear.

NM_032638.5(GATA2):c.743C>A (p.Thr248Asn)

Gene: GATA2 (GATA binding protein 2; minus strand). Cytogenetic location: 3q21.3.
Variant type: single nucleotide variant.
Coding change: c.743C>A on transcript NM_032638.5 (MANE Select); coding-DNA position 743, C replaced by A.
Protein change: p.Thr248Asn; replaces threonine 248 with asparagine.
Molecular consequence: missense variant.
Genome position (GRCh38, 1-based): chr3:128,485,855, G>T on the plus strand (C>A on the coding strand, the complement: GATA2 is on the minus strand). VCF-style: chr3-128485855-G-T. GRCh37 (hg19) VCF-style: chr3-128204698-G-T.
Other names: c.743C>A, p.Thr248Asn (NM_001145661.2, NM_001145662.1); short protein forms T248N.
Identifiers: ClinVar variation 4824110 (VCV004824110.1).
Genomic context (GRCh38, chr3:128,485,855, plus strand): 5'-CCGGGGTGGAAGAGTCCGCTGCTGTAGTCGTGGGCAGCCGCCGGCACATAGGAGGGGTAG[G>T]TGGGGATGGGGTGGTGTGTAGCAGGCTGGGTGCCCATAGTAGCTAGGCCTGGGCGCAGGG-3'
Protein context (NP_116027.2, residues 238-258): TQPATHHPIP[Thr248Asn]YPSYVPAAAH